The following is an entry in ClinVar:

ClinVar aggregate classification (germline): Uncertain significance. Review status: criteria provided, multiple submitters, no conflicts (2 of 4 stars). 2 submissions from 2 submitters: Uncertain significance (2). Last evaluated 2024-08-05.

Conditions:
Inborn genetic diseases. Identifiers: MedGen C0950123, MeSH D030342.

Submissions (2):

Ambry Genetics
Classification: Uncertain significance for Inborn genetic diseases. Last evaluated: 2024-08-05. Review status: criteria provided, single submitter. Criteria: Ambry Variant Classification Scheme 2023. Collection method: clinical testing. Allele origin: germline.

Labcorp Genetics (formerly Invitae), Labcorp
Classification: Uncertain significance. Last evaluated: 2024-03-24. Review status: criteria provided, single submitter. Criteria: Invitae Variant Classification Sherloc (09022015). Collection method: clinical testing. Allele origin: germline.
Comment: This sequence change replaces valine, which is neutral and non-polar, with leucine, which is neutral and non-polar, at codon 156 of the SLC16A1 protein (p.Val156Leu). This variant is not present in population databases (gnomAD no frequency). This variant has not been reported in the literature in individuals affected with SLC16A1-related conditions. Advanced modeling of protein sequence and biophysical properties (such as structural, functional, and spatial information, amino acid conservation, physicochemical variation, residue mobility, and thermodynamic stability) performed at Invitae indicates that this missense variant is expected to disrupt SLC16A1 protein function with a positive predictive value of 95%. In summary, the available evidence is currently insufficient to determine the role of this variant in disease. Therefore, it has been classified as a Variant of Uncertain Significance.

NM_003051.4(SLC16A1):c.466G>C (p.Val156Leu)

Gene: SLC16A1 (solute carrier family 16 member 1; minus strand). Cytogenetic location: 1p13.2.
Variant type: single nucleotide variant.
Coding change: c.466G>C on transcript NM_003051.4 (MANE Select); coding-DNA position 466, G replaced by C.
Protein change: p.Val156Leu; replaces valine 156 with leucine.
Molecular consequence: missense variant.
Genome position (GRCh38, 1-based): chr1:112,917,940, C>G on the plus strand (G>C on the coding strand, the complement: SLC16A1 is on the minus strand). VCF-style: chr1-112917940-C-G. GRCh37 (hg19) VCF-style: chr1-113460562-C-G.
Other names: c.466G>C, p.Val156Leu (NM_001166496.2); short protein forms V156L.
Identifiers: ClinVar variation 3442737 (VCV003442737.3).